The following is an entry in ClinVar:

NM_006306.4(SMC1A):c.2974-9G>A

Gene: SMC1A (structural maintenance of chromosomes 1A; minus strand). Cytogenetic location: Xp11.22.
Variant type: single nucleotide variant.
Coding change: c.2974-9G>A on transcript NM_006306.4 (MANE Select); 9 bases into the intron before coding-DNA position 2974, G replaced by A.
Molecular consequence: intron variant.
Genome position (GRCh38, 1-based): chrX:53,383,262, C>T on the plus strand (G>A on the coding strand, the complement: SMC1A is on the minus strand). VCF-style: chrX-53383262-C-T. GRCh37 (hg19) VCF-style: chrX-53410183-C-T.
Other names: c.2908-9G>A (NM_001281463.1).
Identifiers: ClinVar variation 1358790 (VCV001358790.8), dbSNP rs2146583272, ClinGen allele CA2573158991.

ClinVar aggregate classification (germline): Uncertain significance (1 of 4 stars; one submission).

Conditions:
Congenital muscular hypertrophy-cerebral syndrome (CDLS2). Also called: SMC1A-Related Cornelia de Lange Syndrome; Cornelia de Lange syndrome 2. Identifiers: Orphanet 199, MedGen C1802395, MONDO:0010370, OMIM 300590.

gnomAD v4.1: 7 of 1,166,631 alleles (0.0006%); highest among the groups gnomAD compares: African/African-American, 0.0018%; no homozygotes.

Submission:

Labcorp Genetics (formerly Invitae), Labcorp
Classification: Uncertain significance for Congenital muscular hypertrophy-cerebral syndrome. Last evaluated: 2021-06-24. Review status: criteria provided, single submitter. Criteria: Invitae Variant Classification Sherloc (09022015). Collection method: clinical testing. Allele origin: germline.
Comment: This variant is not present in population databases (ExAC no frequency). This variant has been observed in individual(s) with clinical features of SMC1A-related conditions (Invitae). Algorithms developed to predict the effect of sequence changes on RNA splicing suggest that this variant may disrupt the consensus splice site, but this prediction has not been confirmed by published transcriptional studies. In summary, the available evidence is currently insufficient to determine the role of this variant in disease. Therefore, it has been classified as a Variant of Uncertain Significance. This sequence change falls in intron 19 of the SMC1A gene. It does not directly change the encoded amino acid sequence of the SMC1A protein.